The following is an entry in ClinVar:

GRCh37/hg19 12p12.1-11.22(chr12:23693737-29545102)x1

Genes: BCAT1 (branched chain amino acid transaminase 1; minus strand), BHLHE41 (basic helix-loop-helix family member e41; minus strand), BMAL2 (basic helix-loop-helix ARNT like 2; plus strand), C12orf71 (chromosome 12 open reading frame 71; minus strand), CCDC91 (coiled-coil domain containing 91; plus strand) and 24 more. Cytogenetic location: 12p12.1-11.22.
Variant type: copy number loss.
Change: copy number 1 (one copy instead of two) of chr12:23,693,737-29,545,102 (5.85 Mb, GRCh37 coordinates, 1-based), cytogenetic band 12p12.1-11.22.
Identifiers: ClinVar variation 1340043 (VCV001340043.1).

ClinVar aggregate classification (germline): Pathogenic (0 of 4 stars; one submission).

Submission:

Quest Diagnostics Nichols Institute San Juan Capistrano
Classification: Pathogenic. Last evaluated: 2021-01-04. Review status: no assertion criteria provided. Collection method: clinical testing. Allele origin: germline.
Comment: The copy number loss of 12p12.1p11.22 involves several coding genes, and is expected to cause phenotypic and/or developmental abnormalities. It includes PTHLH (OMIM 168470) and multiple exons (NM_006940.5) of the 5' portion of SOX5 (OMIM 604975). Haploinsufficiency of SOX5 is associated with autosomal dominant Lamb-Shaffer syndrome (OMIM 616803), a neurodevelopmental disorder characterized by global developmental delay, intellectual disability, poor expressive speech, and mild dysmorphic facial features. Some individuals may have mild microcephaly, ophthalmologic abnormalities, and variable skeletal defects, including short stature (Innella et al., Am J Med Genet A 2020, doi: 10.1002/ajmg.a.62001, PMID: 33296143). Furthermore, heterozygous loss-of-function variants of PTHLH are associated with autosomal dominant brachydactyly type E2 (OMIM 613382), which is characterized by one or more shortened metacarpal and metatarsal bones.